The following is an entry in ClinVar:

NM_018451.5(CPAP):c.2674A>T (p.Ser892Cys)

Gene: CPAP (centrosome assembly and centriole elongation protein; minus strand). Cytogenetic location: 13q12.13.
Variant type: single nucleotide variant.
Coding change: c.2674A>T on transcript NM_018451.5 (MANE Select); coding-DNA position 2674, A replaced by T.
Protein change: p.Ser892Cys; replaces serine 892 with cysteine.
Molecular consequence: missense variant. On other transcripts: non-coding transcript variant (2).
Genome position (GRCh38, 1-based): chr13:24,905,364, T>A on the plus strand (A>T on the coding strand, the complement: CPAP is on the minus strand). VCF-style: chr13-24905364-T-A. GRCh37 (hg19) VCF-style: chr13-25479502-T-A.
Other names: c.2674A>T (NM_018451.3); short protein forms S892C.
Identifiers: ClinVar variation 1369706 (VCV001369706.9), dbSNP rs778610725, ClinGen allele CA387584259.

ClinVar aggregate classification (germline): Uncertain significance. Review status: criteria provided, multiple submitters, no conflicts (2 of 4 stars). 2 submissions from 2 submitters: Uncertain significance (2). Last evaluated 2022-09-08.

Conditions:
Inborn genetic diseases. Identifiers: MedGen C0950123, MeSH D030342.

Submissions (2):

Labcorp Genetics (formerly Invitae), Labcorp
Classification: Uncertain significance. Last evaluated: 2022-09-08. Review status: criteria provided, single submitter. Criteria: Invitae Variant Classification Sherloc (09022015). Collection method: clinical testing. Allele origin: germline.
Comment: In summary, the available evidence is currently insufficient to determine the role of this variant in disease. Therefore, it has been classified as a Variant of Uncertain Significance. Algorithms developed to predict the effect of missense changes on protein structure and function are either unavailable or do not agree on the potential impact of this missense change (SIFT: "Deleterious"; PolyPhen-2: "Possibly Damaging"; Align-GVGD: "Class C0"). ClinVar contains an entry for this variant (Variation ID: 1369706). This variant has not been reported in the literature in individuals affected with CENPJ-related conditions. This variant is not present in population databases (gnomAD no frequency). This sequence change replaces serine, which is neutral and polar, with cysteine, which is neutral and slightly polar, at codon 892 of the CENPJ protein (p.Ser892Cys).

Ambry Genetics
Classification: Uncertain significance for Inborn genetic diseases. Last evaluated: 2021-09-17. Review status: criteria provided, single submitter. Criteria: Ambry Variant Classification Scheme 2023. Collection method: clinical testing. Allele origin: germline.